The following is an entry in ClinVar:

NM_001194998.2(CEP152):c.2563-11A>G

Gene: CEP152 (centrosomal protein 152; minus strand). Cytogenetic location: 15q21.1.
Variant type: single nucleotide variant.
Coding change: c.2563-11A>G on transcript NM_001194998.2 (MANE Select); 11 bases into the intron before coding-DNA position 2563, A replaced by G.
Molecular consequence: intron variant.
Genome position (GRCh38, 1-based): chr15:48,760,277, T>C on the plus strand (A>G on the coding strand, the complement: CEP152 is on the minus strand). VCF-style: chr15-48760277-T-C. GRCh37 (hg19) VCF-style: chr15-49052474-T-C.
Other names: c.2563-11A>G (NM_014985.4).
Identifiers: ClinVar variation 2441881 (VCV002441881.2), dbSNP rs555677989, ClinGen allele CA7548526.

ClinVar aggregate classification (germline): Uncertain significance. Review status: criteria provided, multiple submitters, no conflicts (2 of 4 stars). 2 submissions from 2 submitters: Uncertain significance (2). Last evaluated 2024-08-23.

Conditions:
Seckel syndrome 5 (SCKL5). Identifiers: Orphanet 808, MedGen C3151187, MONDO:0013443, OMIM 613823.

Allele frequency attached by ClinVar (database versions not stated): ExAC 0.00001; gnomAD 0.00001; TOPMed 0.00001; 1000 Genomes Project 30x 0.00016; 1000 Genomes Project 0.00020.
gnomAD v4.1: 3 of 1,613,866 alleles (0.00019%); highest among the groups gnomAD compares: South Asian, 0.0011%; no homozygotes.

Submissions (2):

GeneDx
Classification: Uncertain significance. Last evaluated: 2024-08-23. Review status: criteria provided, single submitter. Criteria: GeneDx Variant Classification Process June 2021. Collection method: clinical testing. Allele origin: germline. Affected: yes.
Comment: Not observed at significant frequency in large population cohorts (gnomAD); In silico analysis supports a deleterious effect on splicing; Has not been previously published as pathogenic or benign to our knowledge

Baylor Genetics
Classification: Uncertain significance for Seckel syndrome 5. Last evaluated: 2022-11-29. Review status: criteria provided, single submitter. Criteria: ACMG Guidelines, 2015. Collection method: clinical testing. Allele origin: unknown.